The following is an entry in ClinVar:

ClinVar aggregate classification (germline): Pathogenic/Likely pathogenic. Review status: criteria provided, multiple submitters, no conflicts (2 of 4 stars). 2 submissions from 2 submitters: Pathogenic (1); Likely pathogenic (1). Last evaluated 2026-09-08.

Conditions:
Fabry disease. Also called: Fabry's disease; Angiokeratoma corporis diffusum; GLA DEFICIENCY; HEREDITARY DYSTOPIC LIPIDOSIS; ALPHA-GALACTOSIDASE A DEFICIENCY; ANDERSON-FABRY DISEASE. Identifiers: Orphanet 324, MedGen C0002986, MONDO:0010526, OMIM 301500, HP:0001071. Disease mechanism: loss of function, Fabry disease is due to inactivating mutations in the X-linked GLA gene resulting in deficiency of the enzyme Alpha Galactosidase-A..

Submissions (2):

Genomenon, Inc
Classification: Pathogenic for Fabry disease. Last evaluated: 2026-09-08. Review status: criteria provided, single submitter. Criteria: Genomenon Sequence Variant Interpretation Standards - Updated. Collection method: curation. Allele origin: germline. Affected: yes.
Comment: GLA p.Met267Arg (c.800T>G) is a missense variant that changes the amino acid at codon 267 from Methionine to Arginine. This variant has been observed in at least one proband with clinical features consistent with Fabry disease (PMID:25386848;32127409;25531941;28625968;25955246;16595074). At least one functional study has demonstrated a substantial alteration in protein function relative to the wild-type (PMID:27657681). This variant is located in a mutational hotspot and/or important functional domain. It is absent or not present at a significant frequency in gnomAD. In silico models predict that this variant is possibly or probably damaging. In conclusion, we classify GLA p.Met267Arg (c.800T>G) as a pathogenic variant.

Women's Health and Genetics/Laboratory Corporation of America, LabCorp
Classification: Likely pathogenic for Fabry disease. Last evaluated: 2021-03-23. Review status: criteria provided, single submitter. Criteria: LabCorp Variant Classification Summary - May 2015. Collection method: clinical testing. Allele origin: germline.
Comment: Variant summary: GLA c.800T>G (p.Met267Arg) results in a non-conservative amino acid change in the encoded protein sequence. Five of five in-silico tools predict a damaging effect of the variant on protein function. 4/4 computational tools predict no significant impact on normal splicing. However, these predictions have yet to be confirmed by functional studies. The variant was absent in 183449 control chromosomes (gnomAD). c.800T>G has been reported in the literature in individuals affected with Fabry Disease (example: Najafian_2016, Mauer_2014, Shabbeer_2005, Skrunes_2017). These data indicate that the variant is likely to be associated with disease. To our knowledge, no experimental evidence demonstrating an impact on protein function has been reported. HGMD database reports other missense variants affecting the same and/or nearby codons (example: p.D266V, p.M267I, p.M267T, p.L268S) associated with Fabry disease, suggesting this region may be clinically significant. No clinical diagnostic laboratories have submitted clinical-significance assessments for this variant to ClinVar after 2014. Based on the evidence outlined above, the variant was classified as likely pathogenic.

Literature cited by the submitters: PubMed 25386848 (cited by Genomenon, Inc and Women's Health and Genetics/Laboratory Corporation of America, LabCorp); PubMed 32127409 (cited by Genomenon, Inc); PubMed 25531941 (cited by Genomenon, Inc); PubMed 28625968 (cited by Genomenon, Inc and Women's Health and Genetics/Laboratory Corporation of America, LabCorp); PubMed 25955246 (cited by Genomenon, Inc); PubMed 16595074 (cited by Genomenon, Inc and Women's Health and Genetics/Laboratory Corporation of America, LabCorp); PubMed 27657681 (cited by Genomenon, Inc); PubMed 27081853 (cited by Women's Health and Genetics/Laboratory Corporation of America, LabCorp).

NM_000169.3(GLA):c.800T>G (p.Met267Arg)

Genes: GLA (galactosidase alpha; minus strand), RPL36A-HNRNPH2 (RPL36A-HNRNPH2 readthrough; plus strand). Cytogenetic location: Xq22.1.
Variant type: single nucleotide variant.
Coding change: c.800T>G on transcript NM_000169.3 (MANE Select); coding-DNA position 800, T replaced by G.
Protein change: p.Met267Arg; replaces methionine 267 with arginine.
Molecular consequence: missense variant. On other transcripts: non-coding transcript variant (3), intron variant (2).
Genome position (GRCh38, 1-based): chrX:101,398,786, A>C on the plus strand (T>G on the coding strand, the complement: GLA is on the minus strand). VCF-style: chrX-101398786-A-C. GRCh37 (hg19) VCF-style: chrX-100653774-A-C.
Other names: c.923T>G, p.Met308Arg (NM_001406747.1); c.800T>G, p.Met267Arg (NM_001406748.1); c.300+3329A>C (NM_001199973.2); c.177+6964A>C (NM_001199974.2); short protein forms M267R, M308R.
Identifiers: ClinVar variation 1050824 (VCV001050824.3), dbSNP rs869312408, ClinGen allele CA413923775.